The following is an entry in ClinVar:

ClinVar aggregate classification (germline): Uncertain significance (1 of 4 stars; one submission).

Conditions:
Spastic ataxia 2. Also called: Ataxia, spastic, 2, autosomal recessive. Identifiers: Orphanet 397946, MedGen C1969796, MONDO:0012651, OMIM 611302.

Allele frequency attached by ClinVar (database versions not stated): gnomAD exomes below 0.00001.

Submission:

Labcorp Genetics (formerly Invitae), Labcorp
Classification: Uncertain significance for Spastic ataxia 2. Last evaluated: 2020-05-27. Review status: criteria provided, single submitter. Criteria: Invitae Variant Classification Sherloc (09022015). Collection method: clinical testing. Allele origin: germline.
Comment: This sequence change replaces glutamic acid with lysine at codon 884 of the KIF1C protein (p.Glu884Lys). The glutamic acid residue is moderately conserved and there is a small physicochemical difference between glutamic acid and lysine. This variant is not present in population databases (ExAC no frequency). This variant has not been reported in the literature in individuals with KIF1C-related conditions. Algorithms developed to predict the effect of missense changes on protein structure and function are either unavailable or do not agree on the potential impact of this missense change (SIFT: "Deleterious"; PolyPhen-2: "Possibly Damaging"; Align-GVGD: "Class C0"). In summary, the available evidence is currently insufficient to determine the role of this variant in disease. Therefore, it has been classified as a Variant of Uncertain Significance.

NM_006612.6(KIF1C):c.2650G>A (p.Glu884Lys)

Gene: KIF1C (kinesin family member 1C; plus strand). Cytogenetic location: 17p13.2.
Variant type: single nucleotide variant.
Coding change: c.2650G>A on transcript NM_006612.6 (MANE Select); coding-DNA position 2650, G replaced by A.
Protein change: p.Glu884Lys; replaces glutamic acid 884 with lysine.
Molecular consequence: missense variant.
Genome position (GRCh38, 1-based): chr17:5,023,489, G>A. VCF-style: chr17-5023489-G-A. GRCh37 (hg19) VCF-style: chr17-4926784-G-A.
Other names: short protein forms E884K.
Identifiers: ClinVar variation 1036104 (VCV001036104.8), dbSNP rs1297313354, ClinGen allele CA397316569.